The following is an entry in ClinVar:

ClinVar aggregate classification (germline): Uncertain significance. Review status: criteria provided, multiple submitters, no conflicts (2 of 4 stars). 3 submissions from 3 submitters: Uncertain significance (3). Last evaluated 2024-10-25.

Conditions:
Inborn genetic diseases. Identifiers: MedGen C0950123, MeSH D030342.
Type II complement component 8 deficiency. Also called: COMPLEMENT C8 DEFICIENCY, TYPE II; C8 BETA DEFICIENCY; C8B DEFICIENCY; COMPLEMENT COMPONENT 8B DEFICIENCY. Identifiers: MedGen C3151080, MONDO:0013421, OMIM 613789.

Allele frequency attached by ClinVar (database versions not stated): ExAC 0.00005; gnomAD exomes 0.00005; TOPMed 0.00009; gnomAD 0.00011; ESP Exome Variant Server 0.00015.
gnomAD v4.1: 264 of 1,614,048 alleles (0.016%); highest among the groups gnomAD compares: Non-Finnish European, 0.02%; no homozygotes.

Submissions (3):

Labcorp Genetics (formerly Invitae), Labcorp
Classification: Uncertain significance. Last evaluated: 2024-10-25. Review status: criteria provided, single submitter. Criteria: Invitae Variant Classification Sherloc (09022015). Collection method: clinical testing. Allele origin: germline.
Comment: This sequence change replaces arginine, which is basic and polar, with histidine, which is basic and polar, at codon 136 of the C8B protein (p.Arg136His). This variant is present in population databases (rs200374059, gnomAD 0.01%). This variant has not been reported in the literature in individuals affected with C8B-related conditions. ClinVar contains an entry for this variant (Variation ID: 1518704). An algorithm developed to predict the effect of missense changes on protein structure and function outputs the following: PolyPhen-2: "Possibly Damaging". The histidine amino acid residue is found in multiple mammalian species, which suggests that this missense change does not adversely affect protein function. In summary, the available evidence is currently insufficient to determine the role of this variant in disease. Therefore, it has been classified as a Variant of Uncertain Significance.

Ambry Genetics
Classification: Uncertain significance for Inborn genetic diseases. Last evaluated: 2023-10-20. Review status: criteria provided, single submitter. Criteria: Ambry Variant Classification Scheme 2023. Collection method: clinical testing. Allele origin: germline.

New York Genome Center
Classification: Uncertain significance for Type II complement component 8 deficiency. Last evaluated: 2021-07-09. Review status: criteria provided, single submitter. Criteria: NYGC Assertion Criteria 2020. Collection method: clinical testing. Allele origin: inherited. Observed: 1 heterozygote. Study: CSER-NYCKidSeq.

NM_000066.4(C8B):c.407G>A (p.Arg136His)

Gene: C8B (complement C8 beta chain; minus strand). Cytogenetic location: 1p32.2.
Variant type: single nucleotide variant.
Coding change: c.407G>A on transcript NM_000066.4 (MANE Select); coding-DNA position 407, G replaced by A.
Protein change: p.Arg136His; replaces arginine 136 with histidine.
Molecular consequence: missense variant.
Genome position (GRCh38, 1-based): chr1:56,954,812, C>T on the plus strand (G>A on the coding strand, the complement: C8B is on the minus strand). VCF-style: chr1-56954812-C-T. GRCh37 (hg19) VCF-style: chr1-57420485-C-T.
Other names: c.251G>A, p.Arg84His (NM_001278543.2); c.221G>A, p.Arg74His (NM_001278544.2); c.407G>A (NM_000066.2); short protein forms R136H, R84H, R74H.
Identifiers: ClinVar variation 1518704 (VCV001518704.8), dbSNP rs200374059, ClinGen allele CA875983.